The following is an entry in ClinVar:

ClinVar aggregate classification (germline): Pathogenic/Likely pathogenic. Review status: criteria provided, multiple submitters, no conflicts (2 of 4 stars). 3 submissions from 3 submitters: Pathogenic (1); Likely pathogenic (2). Last evaluated 2025-05-05.

Conditions:
Hereditary spastic paraplegia 4. Also called: Spastic paraplegia 4, autosomal dominant; Spastic Paraplegia 4; Familial spastic paraplegia autosomal dominant 2. Identifiers: Orphanet 100985, MedGen C1866855, MONDO:0008438, OMIM 182601.

Submissions (3):

Labcorp Genetics (formerly Invitae), Labcorp
Classification: Pathogenic for Hereditary spastic paraplegia 4. Last evaluated: 2025-05-05. Review status: criteria provided, single submitter. Criteria: Invitae Variant Classification Sherloc (09022015). Collection method: clinical testing. Allele origin: germline.
Comment: This sequence change replaces arginine, which is basic and polar, with glycine, which is neutral and non-polar, at codon 498 of the SPAST protein (p.Arg498Gly). This variant is not present in population databases (gnomAD no frequency). This missense change has been observed in individuals with hereditary spastic paraplegia (PMID: 20932283; internal data). Invitae Evidence Modeling of clinical and family history, age, sex, and reported ancestry of multiple individuals with this SPAST variant has been performed. This variant is expected to be pathogenic with a positive predictive value of at least 99%. This is a validated machine learning model that incorporates the clinical features of 4,195 individuals referred to our laboratory for SPAST testing. ClinVar contains an entry for this variant (Variation ID: 1066782). An algorithm developed to predict the effect of missense changes on protein structure and function (PolyPhen-2) suggests that this variant is likely to be disruptive. Algorithms developed to predict the effect of sequence changes on RNA splicing suggest that this variant may disrupt the consensus splice site. This variant disrupts the p.Arg498 amino acid residue in SPAST. Other variant(s) that disrupt this residue have been determined to be pathogenic (PMID: 26671083; internal data). This suggests that this residue is clinically significant, and that variants that disrupt this residue are likely to be disease-causing. For these reasons, this variant has been classified as Pathogenic.

Greenwood Genetic Center Diagnostic Laboratories, Greenwood Genetic Center
Classification: Likely pathogenic for Hereditary spastic paraplegia 4. Last evaluated: 2023-03-06. Review status: criteria provided, single submitter. Criteria: ACMG Guidelines, 2015. Collection method: clinical testing. Allele origin: germline. Affected: yes.
Comment: PS4_Supporting, PM1, PM2, PP3

GeneDx
Classification: Likely pathogenic. Last evaluated: 2022-06-21. Review status: criteria provided, single submitter. Criteria: GeneDx Variant Classification Process June 2021. Collection method: clinical testing. Allele origin: germline. Affected: yes.
Comment: Reported in ClinVar as likely pathogenic by a laboratory that has observed this variant in individual(s) with hereditary spastic paraplegia (ClinVar Variant ID#1066782; SCV001575324.1; ClinVar); Not observed at significant frequency in large population cohorts (gnomAD); In silico analysis supports that this missense variant has a deleterious effect on protein structure/function; In-silico analysis is inconclusive as to whether the variant alters gene splicing. In the absence of RNA/functional studies, the actual effect of this sequence change is unknown.; This variant is associated with the following publications: (PMID: 21139634, 26094131, 20932283, 20718791)

Literature cited by the submitters: PubMed 20932283 (cited by Labcorp Genetics (formerly Invitae), Labcorp); PubMed 26671083 (cited by Labcorp Genetics (formerly Invitae), Labcorp).

NM_014946.4(SPAST):c.1492A>G (p.Arg498Gly)

Gene: SPAST (spastin; plus strand). Cytogenetic location: 2p22.3.
Variant type: single nucleotide variant.
Coding change: c.1492A>G on transcript NM_014946.4 (MANE Select); coding-DNA position 1492, A replaced by G.
Protein change: p.Arg498Gly; replaces arginine 498 with glycine.
Molecular consequence: missense variant.
Genome position (GRCh38, 1-based): chr2:32,137,187, A>G. VCF-style: chr2-32137187-A-G. GRCh37 (hg19) VCF-style: chr2-32362256-A-G.
Other names: c.1489A>G, p.Arg497Gly (NM_001363823.2); c.1393A>G, p.Arg465Gly (NM_001363875.2); c.1396A>G, p.Arg466Gly (NM_001377959.1, NM_199436.2); short protein forms R465G, R466G, R497G, R498G.
Identifiers: ClinVar variation 1066782 (VCV001066782.11), dbSNP rs1553318350, ClinGen allele CA346502545.